The following is an entry in ClinVar:

NM_004415.4(DSP):c.6328G>T (p.Ala2110Ser)

Gene: DSP (desmoplakin; plus strand). Cytogenetic location: 6p24.3.
Variant type: single nucleotide variant.
Coding change: c.6328G>T on transcript NM_004415.4 (MANE Select); coding-DNA position 6328, G replaced by T.
Protein change: p.Ala2110Ser; replaces alanine 2110 with serine.
Molecular consequence: missense variant.
Genome position (GRCh38, 1-based): chr6:7,583,590, G>T. VCF-style: chr6-7583590-G-T. GRCh37 (hg19) VCF-style: chr6-7583823-G-T.
Other names: c.4531G>T, p.Ala1511Ser (NM_001008844.3); c.4999G>T, p.Ala1667Ser (NM_001319034.2); short protein forms A1511S, A2110S, A1667S.
Identifiers: ClinVar variation 2938804 (VCV002938804.3), dbSNP rs2533940477, ClinGen allele CA362690563.

ClinVar aggregate classification (germline): Uncertain significance (1 of 4 stars; one submission).

Conditions:
Arrhythmogenic right ventricular dysplasia 8 (ARVD8). Also called: Arrhythmogenic Right Ventricular Dysplasia/Cardiomyopathy 8; ARRHYTHMOGENIC RIGHT VENTRICULAR DYSPLASIA, FAMILIAL, 8; ARRHYTHMOGENIC RIGHT VENTRICULAR CARDIOMYOPATHY 8. Identifiers: MedGen C1843896, MONDO:0011831, OMIM 607450.
Arrhythmogenic cardiomyopathy with wooly hair and keratoderma. Also called: PALMOPLANTAR KERATODERMA WITH LEFT VENTRICULAR CARDIOMYOPATHY AND WOOLLY HAIR; Carvajal syndrome; Dilated cardiomyopathy with woolly hair and keratoderma; Arrhythmogenic cardiomyopathy with woolly hair and keratoderma. Identifiers: Orphanet 65282, MedGen C1854063, MONDO:0011581, OMIM 605676.

Submission:

Labcorp Genetics (formerly Invitae), Labcorp
Classification: Uncertain significance for Arrhythmogenic cardiomyopathy with wooly hair and keratoderma; Arrhythmogenic right ventricular dysplasia 8. Last evaluated: 2023-12-17. Review status: criteria provided, single submitter. Criteria: Invitae Variant Classification Sherloc (09022015). Collection method: clinical testing. Allele origin: germline.
Comment: This sequence change replaces alanine, which is neutral and non-polar, with serine, which is neutral and polar, at codon 2110 of the DSP protein (p.Ala2110Ser). This variant is not present in population databases (gnomAD no frequency). This variant has not been reported in the literature in individuals affected with DSP-related conditions. An algorithm developed to predict the effect of missense changes on protein structure and function (PolyPhen-2) suggests that this variant is likely to be disruptive. In summary, the available evidence is currently insufficient to determine the role of this variant in disease. Therefore, it has been classified as a Variant of Uncertain Significance.